The following is an entry in ClinVar:

NM_000455.5(STK11):c.192G>A (p.Lys64=)

Gene: STK11 (serine/threonine kinase 11; plus strand). Cytogenetic location: 19p13.3.
Variant type: single nucleotide variant.
Coding change: c.192G>A on transcript NM_000455.5 (MANE Select); coding-DNA position 192, G replaced by A.
Protein change: p.Lys64=; no amino-acid change (lysine 64 retained).
Molecular consequence: synonymous variant.
Genome position (GRCh38, 1-based): chr19:1,207,105, G>A. VCF-style: chr19-1207105-G-A. GRCh37 (hg19) VCF-style: chr19-1207104-G-A.
Other names: c.192G>A (NM_000455.4).
Identifiers: ClinVar variation 1637981 (VCV001637981.11), dbSNP rs2145405404, ClinGen allele CA504706293.

ClinVar aggregate classification (germline): Benign/Likely benign. Review status: criteria provided, multiple submitters, no conflicts (2 of 4 stars). 4 submissions from 4 submitters: Benign (1); Likely benign (3). Last evaluated 2025-03-25.

Conditions:
Hereditary cancer-predisposing syndrome. Also called: Tumor predisposition; Hereditary neoplastic syndrome; Neoplastic Syndromes, Hereditary; Hereditary Cancer Syndrome. Identifiers: Orphanet 140162, MedGen C0027672, MeSH D009386, MONDO:0015356.
Peutz-Jeghers syndrome (PJS). Also called: Peutz-Jeghers polyposis; Periorificial lentiginosis syndrome; POLYPOSIS, HAMARTOMATOUS INTESTINAL; POLYPS-AND-SPOTS SYNDROME. Identifiers: Orphanet 2869, MedGen C0031269, MeSH D010580, MONDO:0008280, OMIM 175200.

Submissions (4):

Myriad Genetics, Inc.
Classification: Benign for Peutz-Jeghers syndrome. Last evaluated: 2025-03-25. Review status: criteria provided, single submitter. Criteria: Myriad Autosomal Dominant, Autosomal Recessive and X-Linked Classification Criteria (2023). Collection method: clinical testing. Allele origin: unknown.
Comment: This variant is considered benign. This variant is a silent/synonymous amino acid change and it is not expected to impact splicing.

Center for Genomic Medicine, Rigshospitalet, Copenhagen University Hospital
Classification: Likely benign. Last evaluated: 2025-03-04. Review status: criteria provided, single submitter. Criteria: ACMG Guidelines, 2015. Collection method: clinical testing. Allele origin: germline.

Labcorp Genetics (formerly Invitae), Labcorp
Classification: Likely benign for Peutz-Jeghers syndrome. Last evaluated: 2024-02-15. Review status: criteria provided, single submitter. Criteria: Invitae Variant Classification Sherloc (09022015). Collection method: clinical testing. Allele origin: germline.

Ambry Genetics
Classification: Likely benign for Hereditary cancer-predisposing syndrome. Last evaluated: 2023-01-05. Review status: criteria provided, single submitter. Criteria: Ambry Variant Classification Scheme 2023. Collection method: clinical testing. Allele origin: germline.